The following is an entry in ClinVar:

NM_020778.5(ALPK3):c.1891C>T (p.Gln631Ter)

Gene: ALPK3 (alpha kinase 3; plus strand). Cytogenetic location: 15q25.3.
Variant type: single nucleotide variant.
Coding change: c.1891C>T on transcript NM_020778.5 (MANE Select); coding-DNA position 1891, C replaced by T.
Protein change: p.Gln631Ter; replaces glutamine 631 with a stop codon.
Molecular consequence: nonsense.
Genome position (GRCh38, 1-based): chr15:84,856,629, C>T. VCF-style: chr15-84856629-C-T. GRCh37 (hg19) VCF-style: chr15-85399860-C-T.
Other names: short protein forms Q631*.
Identifiers: ClinVar variation 2811393 (VCV002811393.3), dbSNP rs2505719200, ClinGen allele CA393355146.

ClinVar aggregate classification (germline): Pathogenic (1 of 4 stars; one submission).

Submission:

Labcorp Genetics (formerly Invitae), Labcorp
Classification: Pathogenic. Last evaluated: 2024-05-31. Review status: criteria provided, single submitter. Criteria: Invitae Variant Classification Sherloc (09022015). Collection method: clinical testing. Allele origin: germline.
Comment: This sequence change creates a premature translational stop signal (p.Gln833*) in the ALPK3 gene. It is expected to result in an absent or disrupted protein product. Loss-of-function variants in ALPK3 are known to be pathogenic (PMID: 21441111, 26846950, 27106955, 34263907). This variant is not present in population databases (gnomAD no frequency). This variant has not been reported in the literature in individuals affected with ALPK3-related conditions. For these reasons, this variant has been classified as Pathogenic.

Literature cited by the submitters: PubMed 21441111; PubMed 26846950; PubMed 27106955; PubMed 34263907.